The following is an entry in ClinVar:

NM_001142864.4(PIEZO1):c.3750C>T (p.Val1250=)

Gene: PIEZO1 (piezo type mechanosensitive ion channel component 1 (Er blood group); minus strand). Cytogenetic location: 16q24.3.
Variant type: single nucleotide variant.
Coding change: c.3750C>T on transcript NM_001142864.4 (MANE Select); coding-DNA position 3750, C replaced by T.
Protein change: p.Val1250=; no amino-acid change (valine 1250 retained).
Molecular consequence: synonymous variant.
Genome position (GRCh38, 1-based): chr16:88,726,593, G>A on the plus strand (C>T on the coding strand, the complement: PIEZO1 is on the minus strand). VCF-style: chr16-88726593-G-A. GRCh37 (hg19) VCF-style: chr16-88793001-G-A.
Other names: c.2292C>T, p.Val764= (NM_014745.1).
Identifiers: ClinVar variation 3047962 (VCV003047962.3), dbSNP rs1045706309, ClinGen allele CA286413550.
Genomic context (GRCh38, chr16:88,726,593, plus strand): 5'-TCCTGGCCACTCACGGTCATAGTAGCCCTTGACGGTGCATACAAGGCTGAAGAGCTGGAT[G>A]ACCCAGCAGAAGCCGGTCTGCATCTGCTCCACGAAGACGCAGGCCAGGAGCTGGGGGAGA-3'
Protein context (NP_001136336.2, residues 1240-1260): VEQMQTGFCW[Val1250=]IQLFSLVCTV

ClinVar aggregate classification (germline): Likely benign. Review status: criteria provided, single submitter (1 of 4 stars). 2 submissions from 2 submitters: Likely benign (1). 1 of the submissions does not count toward it. Last evaluated 2023-09-01.

Conditions:
PIEZO1-related disorder. Also called: PIEZO1-related condition; PIEZO1-Related Disorders.

Allele frequency attached by ClinVar (database versions not stated): gnomAD exomes 0.00007; gnomAD 0.00009; TOPMed 0.00013.
gnomAD v4.1: 119 of 1,545,188 alleles (0.0077%); highest among the groups gnomAD compares: Admixed American, 0.02%; no homozygotes.

Submissions (2):

Blueprint Genetics
Classification: Likely benign. Last evaluated: 2023-09-01. Review status: criteria provided, single submitter. Criteria: ACMG Guidelines, 2015. Collection method: clinical testing. Allele origin: germline.

PreventionGenetics, part of Exact Sciences
Classification: Likely benign for PIEZO1-related condition. Last evaluated: 2023-07-07. Review status: no assertion criteria provided. Collection method: clinical testing. Allele origin: germline. Not counted in ClinVar's aggregate classification.
Comment: This variant is classified as likely benign based on ACMG/AMP sequence variant interpretation guidelines (Richards et al. 2015 PMID: 25741868, with internal and published modifications).